The following is an entry in ClinVar:

ClinVar aggregate classification (germline): Uncertain significance (1 of 4 stars; one submission).

Conditions:
Alpha thalassemia-X-linked intellectual disability syndrome (ATRX). Also called: ATR-X syndrome; Alpha thalassemia mental retardation syndrome, nondeletion type, X-linked; XLMR hypotonic face syndrome; ALPHA-THALASSEMIA/IMPAIRED INTELLECTUAL DEVELOPMENT SYNDROME, X-LINKED; ALPHA-THALASSEMIA/MENTAL RETARDATION SYNDROME, X-LINKED; ATR, NONDELETION TYPE. Identifiers: Orphanet 847, MedGen C1845055, MONDO:0010519, OMIM 301040.

Submission:

Labcorp Genetics (formerly Invitae), Labcorp
Classification: Uncertain significance for Alpha thalassemia-X-linked intellectual disability syndrome. Last evaluated: 2023-08-10. Review status: criteria provided, single submitter. Criteria: Invitae Variant Classification Sherloc (09022015). Collection method: clinical testing. Allele origin: germline.
Comment: In summary, the available evidence is currently insufficient to determine the role of this variant in disease. Therefore, it has been classified as a Variant of Uncertain Significance. Advanced modeling of protein sequence and biophysical properties (such as structural, functional, and spatial information, amino acid conservation, physicochemical variation, residue mobility, and thermodynamic stability) performed at Invitae indicates that this missense variant is not expected to disrupt ATRX protein function. ClinVar contains an entry for this variant (Variation ID: 838899). This variant has not been reported in the literature in individuals affected with ATRX-related conditions. This variant is not present in population databases (gnomAD no frequency). This sequence change replaces glutamic acid, which is acidic and polar, with aspartic acid, which is acidic and polar, at codon 1917 of the ATRX protein (p.Glu1917Asp).

NM_000489.6(ATRX):c.5751A>T (p.Glu1917Asp)

Gene: ATRX (ATRX chromatin remodeler; minus strand). Cytogenetic location: Xq21.1.
Variant type: single nucleotide variant.
Coding change: c.5751A>T on transcript NM_000489.6 (MANE Select); coding-DNA position 5751, A replaced by T.
Protein change: p.Glu1917Asp; replaces glutamic acid 1917 with aspartic acid.
Molecular consequence: missense variant.
Genome position (GRCh38, 1-based): chrX:77,599,767, T>A on the plus strand (A>T on the coding strand, the complement: ATRX is on the minus strand). VCF-style: chrX-77599767-T-A. GRCh37 (hg19) VCF-style: chrX-76855236-T-A.
Other names: c.5637A>T, p.Glu1879Asp (NM_138270.5); short protein forms E1917D, E1879D.
Identifiers: ClinVar variation 838899 (VCV000838899.10), dbSNP rs2066606140, ClinGen allele CA413697976.